The following is an entry in ClinVar:

NM_016247.4(IMPG2):c.3149G>A (p.Cys1050Tyr)

Gene: IMPG2 (interphotoreceptor matrix proteoglycan 2; minus strand). Cytogenetic location: 3q12.3.
Variant type: single nucleotide variant.
Coding change: c.3149G>A on transcript NM_016247.4 (MANE Select); coding-DNA position 3149, G replaced by A.
Protein change: p.Cys1050Tyr; replaces cysteine 1050 with tyrosine.
Molecular consequence: missense variant.
Genome position (GRCh38, 1-based): chr3:101,232,865, C>T on the plus strand (G>A on the coding strand, the complement: IMPG2 is on the minus strand). VCF-style: chr3-101232865-C-T. GRCh37 (hg19) VCF-style: chr3-100951709-C-T.
Other names: short protein forms C1050Y.
Identifiers: ClinVar variation 3365220 (VCV003365220.1).
Genomic context (GRCh38, chr3:101,232,865, plus strand): 5'-ATAATGTCACACTTTCCATCATTCAAGCAGAAGTCAGGCTGTAGGTCACAGAGACTCTGA[C>T]AGGGCCGTTCTTCCACACTCAGGTATCCAGGGAAGCATCTGCACTTTGCTTCTCCACTCC-3'
Protein context (NP_057331.2, residues 1040-1060): PGYLSVEERP[Cys1050Tyr]QSLCDLQPDF

ClinVar aggregate classification (germline): Uncertain significance (1 of 4 stars; one submission).

Submission:

GeneDx
Classification: Uncertain significance. Last evaluated: 2023-12-29. Review status: criteria provided, single submitter. Criteria: GeneDx Variant Classification Process June 2021. Collection method: clinical testing. Allele origin: germline. Affected: yes.
Comment: Not observed at significant frequency in large population cohorts (gnomAD); In silico analysis supports that this missense variant has a deleterious effect on protein structure/function; Has not been previously published as pathogenic or benign to our knowledge